The following is an entry in ClinVar:

ClinVar aggregate classification (germline): Conflicting classifications of pathogenicity. Review status: criteria provided, conflicting classifications (1 of 4 stars). 4 submissions from 4 submitters: Uncertain significance (3); Benign (1). Last evaluated 2025-05-25.

Conditions:
Familial thoracic aortic aneurysm and aortic dissection (TAAD). Also called: Thoracic aortic aneurysms and dissections. Identifiers: Orphanet 91387, MedGen C4707243, MONDO:0019625.
Marfan syndrome (MFS). Also called: Marfan syndrome, classic; Marfan syndrome type 1; Marfan's syndrome; FBN1-Related Marfan Syndrome; MARFAN SYNDROME, TYPE I. Identifiers: Orphanet 284963, Orphanet 558, MedGen C0024796, MONDO:0007947, OMIM 154700.

Allele frequency attached by ClinVar (database versions not stated): gnomAD 0.00002; TOPMed 0.00003.
gnomAD v4.1: 6 of 1,613,762 alleles (0.00037%); highest among the groups gnomAD compares: Admixed American, 0.0017%; no homozygotes.

Submissions (4):

Labcorp Genetics (formerly Invitae), Labcorp
Classification: Benign for Marfan syndrome; Familial thoracic aortic aneurysm and aortic dissection. Last evaluated: 2025-05-25. Review status: criteria provided, single submitter. Criteria: Invitae Variant Classification Sherloc (09022015). Collection method: clinical testing. Allele origin: germline.

All of Us Research Program, National Institutes of Health
Classification: Uncertain significance for Marfan syndrome. Last evaluated: 2024-07-29. Review status: criteria provided, single submitter. Criteria: ACMG Guidelines, 2015. Collection method: clinical testing. Allele origin: germline. Inheritance: Autosomal dominant inheritance. Observed: 2 variant alleles, 2 heterozygotes.
Comment: This missense variant replaces isoleucine with serine at codon 797 of the FBN1 protein. Computational prediction tool suggests that this variant may not impact protein structure and function (internally defined REVEL score threshold <=0.5, PMID: 27666373). Splice site prediction tools suggest that this variant may not impact RNA splicing. To our knowledge, functional studies have not been performed for this variant. This variant has not been reported in individuals affected with cardiovascular disorders in the literature. This variant has been identified in 2/31410 chromosomes in the general population by the Genome Aggregation Database (gnomAD). The available evidence is insufficient to determine the role of this variant in disease conclusively. Therefore, this variant is classified as a Variant of Uncertain Significance.

This study involves interpretation of variants in research participants for the purpose of population health screening. Participant phenotype was not available at the time of variant classification. Additional details can be found in publication PMID: 35346344, PMCID: PMC8962531

Color Diagnostics, LLC DBA Color Health
Classification: Uncertain significance for Familial thoracic aortic aneurysm and aortic dissection. Last evaluated: 2024-03-08. Review status: criteria provided, single submitter. Criteria: ACMG Guidelines, 2015. Collection method: clinical testing. Allele origin: germline.
Comment: This missense variant replaces isoleucine with serine at codon 797 of the FBN1 protein. Computational prediction tools indicate that this variant has a neutral impact on protein structure and function. To our knowledge, functional studies have not been reported for this variant. This variant has not been reported in individuals affected with FBN1-related disorders in the literature. This variant has been identified in 2/31410 chromosomes in the general population by the Genome Aggregation Database (gnomAD). The available evidence is insufficient to determine the role of this variant in disease conclusively. Therefore, this variant is classified as a Variant of Uncertain Significance.

GeneDx
Classification: Uncertain significance. Last evaluated: 2023-09-12. Review status: criteria provided, single submitter. Criteria: GeneDx Variant Classification Process June 2021. Collection method: clinical testing. Allele origin: germline. Affected: yes.
Comment: Although located in a calcium-binding EGF-like domain of the FBN1 gene, it does not affect a cysteine residue within this domain; cysteine substitutions in the calcium-binding EGF-like domains represent the majority of pathogenic missense changes associated with FBN1-related disorders (Collod-Beroud et al., 2003); In silico analysis supports that this missense variant does not alter protein structure/function; This variant is associated with the following publications: (PMID: 12938084, 27906200)

NM_000138.5(FBN1):c.2390T>G (p.Ile797Ser)

Gene: FBN1 (fibrillin 1; minus strand). Cytogenetic location: 15q21.1.
Variant type: single nucleotide variant.
Coding change: c.2390T>G on transcript NM_000138.5 (MANE Select); coding-DNA position 2390, T replaced by G.
Protein change: p.Ile797Ser; replaces isoleucine 797 with serine.
Molecular consequence: missense variant.
Genome position (GRCh38, 1-based): chr15:48,496,129, A>C on the plus strand (T>G on the coding strand, the complement: FBN1 is on the minus strand). VCF-style: chr15-48496129-A-C. GRCh37 (hg19) VCF-style: chr15-48788326-A-C.
Other names: short protein forms I797S.
Identifiers: ClinVar variation 925867 (VCV000925867.8), dbSNP rs983469033, ClinGen allele CA269539134.